The following is an entry in ClinVar:

NM_004991.4(MECOM):c.1573C>G (p.Gln525Glu)

Gene: MECOM (MDS1 and EVI1 complex locus; minus strand). Cytogenetic location: 3q26.2.
Variant type: single nucleotide variant.
Coding change: c.1573C>G on transcript NM_004991.4 (MANE Select); coding-DNA position 1573, C replaced by G.
Protein change: p.Gln525Glu; replaces glutamine 525 with glutamic acid.
Molecular consequence: missense variant. On other transcripts: intron variant (2).
Genome position (GRCh38, 1-based): chr3:169,116,299, G>C on the plus strand (C>G on the coding strand, the complement: MECOM is on the minus strand). VCF-style: chr3-169116299-G-C. GRCh37 (hg19) VCF-style: chr3-168834087-G-C.
Other names: c.1204C>G, p.Gln402Glu (NM_001105077.4); c.1009C>G, p.Gln337Glu (NM_001105078.4, NM_001164000.2, NM_001205194.2 and 4 more transcripts); c.1012C>G, p.Gln338Glu (NM_001163999.2, NM_001366467.2, NM_001366468.2 and 1 more transcripts); c.1573C>G, p.Gln525Glu (NM_001366466.2); c.1133-532C>G (NM_001366473.2); c.569-532C>G (NM_001366474.2); short protein forms Q402E, Q525E, Q337E, Q338E.
Identifiers: ClinVar variation 3394339 (VCV003394339.1).

ClinVar aggregate classification (germline): Uncertain significance (1 of 4 stars; one submission).

Conditions:
Inborn genetic diseases. Identifiers: MedGen C0950123, MeSH D030342.

gnomAD v4.1: 2 of 1,614,224 alleles (0.00012%); highest among the groups gnomAD compares: Non-Finnish European, 0.00017%; no homozygotes.

Submission:

Ambry Genetics
Classification: Uncertain significance for Inborn genetic diseases. Last evaluated: 2024-11-28. Review status: criteria provided, single submitter. Criteria: Ambry Variant Classification Scheme 2023. Collection method: clinical testing. Allele origin: germline.
Comment: The p.Q525E variant (also known as c.1573C>G), located in coding exon 8 of the MECOM gene, results from a C to G substitution at nucleotide position 1573. The glutamine at codon 525 is replaced by glutamic acid, an amino acid with highly similar properties. This amino acid position is conserved. In addition, this alteration is predicted to be tolerated by in silico analysis. Based on the available evidence, the clinical significance of this variant remains unclear.